The following is an entry in ClinVar:

NM_014608.6(CYFIP1):c.912G>A (p.Val304=)

Gene: CYFIP1 (cytoplasmic FMR1 interacting protein 1; minus strand). Cytogenetic location: 15q11.2.
Variant type: single nucleotide variant.
Coding change: c.912G>A on transcript NM_014608.6 (MANE Select); coding-DNA position 912, G replaced by A.
Protein change: p.Val304=; no amino-acid change (valine 304 retained).
Molecular consequence: synonymous variant. On other transcripts: 5 prime UTR variant (1).
Genome position (GRCh38, 1-based): chr15:22,933,882, C>T on the plus strand (G>A on the coding strand, the complement: CYFIP1 is on the minus strand). VCF-style: chr15-22933882-C-T. GRCh37 (hg19) VCF-style: chr15-22939186-G-A.
Other names: c.912G>A, p.Val304= (NM_001287810.4, NM_001324120.2, NM_001324123.3); c.1014G>A, p.Val338= (NM_001324119.2); c.-917G>A (NM_001324122.3); c.822G>A, p.Val274= (NM_001324124.3); c.546G>A, p.Val182= (NM_001324125.3); c.810G>A, p.Val270= (NM_001324126.3).
Identifiers: ClinVar variation 774912 (VCV000774912.45), dbSNP rs142622793, ClinGen allele CA7424427.
Genomic context (GRCh38, chr15:22,933,882, plus strand): 5'-GTGGGCGCTGGTCTTGATATATCTTGCCAGTTCTATTTGCATGTCCCCAAATAGCGGAAC[C>T]ACCTGGAGTTGCTGTATTCAAAGAACAAAAAAATAGAGTCATTATGTATATTTAGTCACC-3'
Protein context (NP_055423.1, residues 294-314): KIDKYFKQLQ[Val304=]VPLFGDMQIE

ClinVar aggregate classification (germline): Benign/Likely benign. Review status: criteria provided, multiple submitters, no conflicts (2 of 4 stars). 3 submissions from 3 submitters: Benign (1); Likely benign (2). Last evaluated 2026-07-01.

Allele frequency attached by ClinVar (database versions not stated): 1000 Genomes Project 0.00060; 1000 Genomes Project 30x 0.00094; ESP Exome Variant Server 0.00254; TOPMed 0.00259; gnomAD 0.00289 and 0.00298; gnomAD exomes 0.00293 and 0.00335; ExAC 0.00299.
gnomAD v4.1: 5,282 of 1,610,458 alleles (0.33%); highest among the groups gnomAD compares: Non-Finnish European, 0.38%; 16 homozygotes.

Submissions (3):

CeGaT Center for Human Genetics Tuebingen
Classification: Likely benign. Last evaluated: 2026-07-01. Review status: criteria provided, single submitter. Criteria: CeGaT Center For Human Genetics Tuebingen Variant Classification Criteria Version 2. Collection method: clinical testing. Allele origin: germline. Affected: yes. Observed: 2 variant alleles.
Comment: CYFIP1: BP4, BP7, BS2

Labcorp Genetics (formerly Invitae), Labcorp
Classification: Benign. Last evaluated: 2019-12-31. Review status: criteria provided, single submitter. Criteria: Invitae Variant Classification Sherloc (09022015). Collection method: clinical testing. Allele origin: germline.

Breakthrough Genomics
Classification: Likely benign. Review status: criteria provided, single submitter. Criteria: ACMG Guidelines, 2015. Collection method: not provided. Allele origin: germline. Inheritance: Unknown mechanism. Affected: yes.